The following is an entry in ClinVar:

ClinVar aggregate classification (germline): Uncertain significance (1 of 4 stars; one submission).

Conditions:
Proteosome-associated autoinflammatory syndrome. Also called: Proteasome-associated autoinflammatory syndrome. Identifiers: Orphanet 324977, MedGen C1850568, MONDO:0009726.

Submission:

Labcorp Genetics (formerly Invitae), Labcorp
Classification: Uncertain significance for Proteosome-associated autoinflammatory syndrome. Last evaluated: 2022-04-01. Review status: criteria provided, single submitter. Criteria: Invitae Variant Classification Sherloc (09022015). Collection method: clinical testing. Allele origin: germline.
Comment: This sequence change creates a premature translational stop signal (p.Thr262Argfs*7) in the PSMB8 gene. While this is not anticipated to result in nonsense mediated decay, it is expected to disrupt the last 15 amino acid(s) of the PSMB8 protein. This variant is not present in population databases (gnomAD no frequency). This variant has not been reported in the literature in individuals affected with PSMB8-related conditions. Experimental studies and prediction algorithms are not available or were not evaluated, and the functional significance of this variant is currently unknown. In summary, the available evidence is currently insufficient to determine the role of this variant in disease. Therefore, it has been classified as a Variant of Uncertain Significance.

NM_148919.4(PSMB8):c.778_784dup (p.Thr262fs)

Gene: PSMB8 (proteasome 20S subunit beta 8; minus strand). Cytogenetic location: 6p21.32.
Variant type: Microsatellite.
Coding change: c.778_784dup on transcript NM_148919.4 (MANE Select); coding-DNA positions 778 to 784, 7 bases duplicated (GAAAGTA; older notation c.778_784dupGAAAGTA).
Protein change: p.Thr262fs; shifts the reading frame from threonine 262.
Molecular consequence: frameshift variant.
Genome position (GRCh38, 1-based): chr6:32,841,006-32,841,012, TACTTTC duplicated on the plus strand (GAAAGTA on the coding strand, the reverse complement: PSMB8 is on the minus strand); duplicating any 7 consecutive bases within chr6:32,841,006-32,841,019 gives the same sequence; the c. name uses the placement nearest the transcript's 3' end. VCF-style (leftmost placement, unchanged base first): chr6-32841005-G-GTACTTTC. GRCh37 (hg19) VCF-style: chr6-32808782-G-GTACTTTC.
Other names: c.766_772dup, p.Thr258fs (NM_004159.5); short protein forms T258fs, T262fs.
Identifiers: ClinVar variation 2120741 (VCV002120741.4), dbSNP rs2483076770, ClinGen allele CA2580614856.